The following is an entry in ClinVar:

ClinVar aggregate classification (germline): Uncertain significance. Review status: criteria provided, multiple submitters, no conflicts (2 of 4 stars). 2 submissions from 2 submitters: Uncertain significance (2). Last evaluated 2026-07-10.

Conditions:
Dubin-Johnson syndrome (DJS). Also called: HYPERBILIRUBINEMIA, DUBIN-JOHNSON TYPE; Jaundice, Chronic Idiopathic; Hyperbilirubinemia type 2. Identifiers: Orphanet 234, MedGen C0022350, MONDO:0009380, OMIM 237500.
ABCC2-related disorder. Also called: ABCC2-related condition.

Allele frequency attached by ClinVar (database versions not stated): ExAC 0.00002; gnomAD exomes 0.00004; TOPMed 0.00006; gnomAD 0.00013.
gnomAD v4.1: 64 of 1,614,112 alleles (0.004%); highest among the groups gnomAD compares: Non-Finnish European, 0.0048%; no homozygotes.

Submissions (2):

PreventionGenetics, part of Exact Sciences
Classification: Uncertain significance for ABCC2-related condition. Last evaluated: 2026-07-10. Review status: criteria provided, single submitter. Criteria: ACMG Guidelines, 2015. Collection method: clinical testing. Allele origin: germline.
Comment: The ABCC2 c.4454A>G variant is predicted to result in the amino acid substitution p.His1485Arg. To our knowledge, this variant has not been reported in the literature. This variant is reported in 0.0085% of alleles in individuals of European (non-Finnish) descent in gnomAD. At this time, the clinical significance of this variant is uncertain due to the absence of conclusive functional and genetic evidence.

Illumina Laboratory Services, Illumina
Classification: Uncertain significance for Dubin-Johnson syndrome. Last evaluated: 2018-01-13. Review status: criteria provided, single submitter. Criteria: ICSL Variant Classification Criteria 13 December 2019. Collection method: clinical testing. Allele origin: germline.

NM_000392.5(ABCC2):c.4454A>G (p.His1485Arg)

Gene: ABCC2 (ATP binding cassette subfamily C member 2; plus strand). Cytogenetic location: 10q24.2.
Variant type: single nucleotide variant.
Coding change: c.4454A>G on transcript NM_000392.5 (MANE Select); coding-DNA position 4454, A replaced by G.
Protein change: p.His1485Arg; replaces histidine 1485 with arginine.
Molecular consequence: missense variant.
Genome position (GRCh38, 1-based): chr10:99,850,742, A>G. VCF-style: chr10-99850742-A-G. GRCh37 (hg19) VCF-style: chr10-101610499-A-G.
Other names: c.4454A>G, p.His1485Arg (LRG_1208t1); c.4454A>G (NM_000392.4); short protein forms H1485R.
Identifiers: ClinVar variation 298478 (VCV000298478.7), dbSNP rs780026074, ClinGen allele CA5644137.
Genomic context (GRCh38, chr10:99,850,742, plus strand): 5'-CTGCGGTGGATCTAGAGACAGACAACCTCATTCAGACGACCATCCAAAACGAGTTCGCCC[A>G]CTGCACAGTGATCACCATCGCCCACAGGCTGCACACCATCATGGACAGTGACAAGTGAGT-3'
Protein context (NP_000383.2, residues 1475-1495): IQTTIQNEFA[His1485Arg]CTVITIAHRL